The following is an entry in ClinVar:

NM_001164508.2(NEB):c.19315-3T>A

Gene: NEB (nebulin; minus strand). Cytogenetic location: 2q23.3.
Variant type: single nucleotide variant.
Coding change: c.19315-3T>A on transcript NM_001164508.2 (MANE Select); 3 bases into the intron before coding-DNA position 19315, T replaced by A.
Molecular consequence: intron variant.
Genome position (GRCh38, 1-based): chr2:151,555,047, A>T on the plus strand (T>A on the coding strand, the complement: NEB is on the minus strand). VCF-style: chr2-151555047-A-T. GRCh37 (hg19) VCF-style: chr2-152411561-A-T.
Other names: c.14212-3T>A (NM_004543.5); c.19315-3T>A (NM_001164507.2, NM_001271208.2).
Identifiers: ClinVar variation 4687646 (VCV004687646.1).
Genomic context (GRCh38, chr2:151,555,047, plus strand): 5'-CACTTCTTGGTAACGTATAAAGAGCTTTGAACTTTTCATATTCTTCCCGATATTTGATCT[A>T]TAGAGAATAAGTAGAAAGGAAGAAACAGTTTTAGAGAGTAATGGATTTATATTATTAAAA-3'

ClinVar aggregate classification (germline): Uncertain significance (1 of 4 stars; one submission).

gnomAD v4.1: 2 of 1,551,830 alleles (0.00013%); highest among the groups gnomAD compares: African/African-American, 0.0027%; no homozygotes.

Submission:

Women's Health and Genetics/Laboratory Corporation of America, LabCorp
Classification: Uncertain significance. Last evaluated: 2025-10-29. Review status: criteria provided, single submitter. Criteria: LabCorp Variant Classification Summary - May 2015. Collection method: clinical testing. Allele origin: germline.
Comment: Variant summary: NEB c.19315-3T>A alters a nucleotide located close to a canonical splice site and therefore could affect mRNA splicing, leading to a significantly altered protein sequence. Consensus agreement among computation tools predict no significant impact on normal splicing. However, these predictions have yet to be confirmed by functional studies. The variant was absent in 248706 control chromosomes. The available data on variant occurrences in the general population are insufficient to allow any conclusion about variant significance. To our knowledge, no occurrence of c.19315-3T>A in individuals affected with NEB-related conditions and no experimental evidence demonstrating its impact on protein function have been reported. No submitters have cited clinical-significance assessments for this variant to ClinVar. Based on the evidence outlined above, the variant was classified as uncertain significance.